The following is an entry in ClinVar:

ClinVar aggregate classification (germline): Conflicting classifications of pathogenicity. Review status: criteria provided, conflicting classifications (1 of 4 stars). 13 submissions from 12 submitters: Uncertain significance (4); Benign (1); Likely benign (5). 3 of the submissions do not count toward it. Last evaluated 2026-01-28.

Conditions:
MYBPC3-related disorder. Also called: MYBPC3-related condition; MYBPC3-related disease; MYBPC3-related disorders.
Cardiovascular phenotype. Identifiers: MedGen CN230736.
Left ventricular noncompaction 10 (LVNC10). Identifiers: Orphanet 154, Orphanet 54260, MedGen C3715165, MONDO:0014163, OMIM 615396.
Cardiomyopathy (CMYO). Also called: Cardiomyopathies. Identifiers: Orphanet 167848, MedGen C0878544, MONDO:0004994, HP:0001638. Inheritance: Various modes of inheritance.
Hypertrophic cardiomyopathy 4. Also called: Familial hypertrophic cardiomyopathy 4. Identifiers: MedGen C1861862, MONDO:0007268, OMIM 115197.
Hypertrophic cardiomyopathy. Also called: HYPERTROPHIC MYOCARDIOPATHY. Identifiers: Orphanet 217569, MedGen C0007194, MeSH D002312, MONDO:0005045, HP:0001639.

Allele frequency attached by ClinVar (database versions not stated): gnomAD exomes 0.00008 and 0.00020; TOPMed 0.00017; ExAC 0.00019; gnomAD 0.00019 and 0.00020; ESP Exome Variant Server 0.00032.
gnomAD v4.1: 164 of 1,593,218 alleles (0.01%); highest among the groups gnomAD compares: African/African-American, 0.023%; no homozygotes.

Submissions (13):

Labcorp Genetics (formerly Invitae), Labcorp
Classification: Likely benign for Hypertrophic cardiomyopathy. Last evaluated: 2026-01-28. Review status: criteria provided, single submitter. Criteria: Invitae Variant Classification Sherloc (09022015). Collection method: clinical testing. Allele origin: germline.

Molecular Diagnostic Laboratory for Inherited Cardiovascular Disease, Montreal Heart Institute
Classification: Likely benign. Last evaluated: 2025-04-09. Review status: criteria provided, single submitter. Criteria: ACMG Guidelines, 2015. Collection method: clinical testing. Allele origin: germline. Affected: no.

Blueprint Genetics
Classification: Likely benign. Last evaluated: 2024-11-26. Review status: criteria provided, single submitter. Criteria: ACMG Guidelines, 2015. Collection method: clinical testing. Allele origin: germline.

CHEO Genetics Diagnostic Laboratory, Children's Hospital of Eastern Ontario
Classification: Uncertain significance for Cardiomyopathy. Last evaluated: 2022-03-04. Review status: criteria provided, single submitter. Criteria: ACMG Guidelines, 2015. Collection method: clinical testing. Allele origin: germline. Study: Canadian Open Genetics Repository.

Ambry Genetics
Classification: Likely benign for Cardiovascular phenotype. Last evaluated: 2019-01-02. Review status: criteria provided, single submitter. Criteria: Ambry Variant Classification Scheme 2023. Collection method: clinical testing. Allele origin: germline.

Color Diagnostics, LLC DBA Color Health
Classification: Likely benign for Cardiomyopathy. Last evaluated: 2018-08-13. Review status: criteria provided, single submitter. Criteria: ACMG Guidelines, 2015. Collection method: clinical testing. Allele origin: germline.

Laboratory for Molecular Medicine, Mass General Brigham Personalized Medicine
Classification: Uncertain significance. Last evaluated: 2018-05-21. Review status: criteria provided, single submitter. Criteria: LMM Criteria. Collection method: clinical testing. Allele origin: germline. Observed: 8 variant alleles.
Comment: proposed classification - variant undergoing re-assessment, contact laboratory

Illumina Laboratory Services, Illumina
Classification: Uncertain significance for Hypertrophic cardiomyopathy 4. Last evaluated: 2017-04-28. Review status: criteria provided, single submitter. Criteria: ICSL Variant Classification Criteria 13 December 2019. Collection method: clinical testing. Allele origin: germline.
Comment: This variant was observed as part of a predisposition screen in an ostensibly healthy population. A literature search was performed for the gene, cDNA change, and amino acid change (where applicable). Publications were found based on this search. However, the evidence from the literature, in combination with allele frequency data from public databases where available, was not sufficient to rule this variant in or out of causing disease. Therefore, this variant is classified as a variant of unknown significance.

Illumina Laboratory Services, Illumina
Classification: Benign for Left ventricular noncompaction 10. Last evaluated: 2017-04-28. Review status: criteria provided, single submitter. Criteria: ICSL Variant Classification Criteria 13 December 2019. Collection method: clinical testing. Allele origin: germline.
Comment: This variant was observed as part of a predisposition screen in an ostensibly healthy population. A literature search was performed for the gene, cDNA change, and amino acid change (where applicable). No publications were found based on this search. Allele frequency data from public databases was too high to be consistent with this variant causing disease. Therefore, this variant is classified as benign.

Biesecker Lab/Clinical Genomics Section, National Institutes of Health
Classification: Uncertain significance for Cardiomyopathy, hypertrophic. Last evaluated: 2013-06-24. Review status: criteria provided, single submitter. Criteria: Ng et al. (Circ Cardiovasc Genet. 2013). Collection method: research. Allele origin: unknown. Observed: 1 variant allele. Study: ClinSeq.
Comment: The study set was not selected for affection status in relation to any cancer. HGMD phenotype assertion is uncertain. Pathogenicity categories were based on literature curation. See Pubmed ID:23861362 for details.

Medical sequencing

PreventionGenetics, part of Exact Sciences
Classification: Likely benign for MYBPC3-related condition. Last evaluated: 2020-05-18. Review status: no assertion criteria provided. Collection method: clinical testing. Allele origin: germline. Not counted in ClinVar's aggregate classification.
Comment: This variant is classified as likely benign based on ACMG/AMP sequence variant interpretation guidelines (Richards et al. 2015 PMID: 25741868, with internal and published modifications).

Clinical Genetics, Academic Medical Center
Classification: Uncertain significance. Review status: no assertion criteria provided. Collection method: clinical testing. Allele origin: germline. Affected: yes. Study: VKGL Data-share Consensus. Not counted in ClinVar's aggregate classification.

Joint Genome Diagnostic Labs from Nijmegen and Maastricht, Radboudumc and MUMC+
Classification: Uncertain significance. Review status: no assertion criteria provided. Collection method: clinical testing. Allele origin: germline. Affected: yes. Study: VKGL Data-share Consensus. Not counted in ClinVar's aggregate classification.

Literature cited by the submitters: PubMed 29907873 (cited by Ambry Genetics); PubMed 14563344 (cited by Laboratory for Molecular Medicine, Mass General Brigham Personalized Medicine and Illumina Laboratory Services, Illumina); PubMed 15519027 (cited by Laboratory for Molecular Medicine, Mass General Brigham Personalized Medicine and Illumina Laboratory Services, Illumina); PubMed 20031618 (cited by Laboratory for Molecular Medicine, Mass General Brigham Personalized Medicine and Illumina Laboratory Services, Illumina); PubMed 18403758 (cited by Laboratory for Molecular Medicine, Mass General Brigham Personalized Medicine and Illumina Laboratory Services, Illumina); PubMed 23861362 (cited by Laboratory for Molecular Medicine, Mass General Brigham Personalized Medicine and Illumina Laboratory Services, Illumina); PubMed 26914223 (cited by Laboratory for Molecular Medicine, Mass General Brigham Personalized Medicine and Illumina Laboratory Services, Illumina); PubMed 23299917 (cited by Laboratory for Molecular Medicine, Mass General Brigham Personalized Medicine); PubMed 18761664 (cited by Illumina Laboratory Services, Illumina).

NM_000256.3(MYBPC3):c.1813G>A (p.Asp605Asn)

Gene: MYBPC3 (myosin binding protein C3; minus strand). Cytogenetic location: 11p11.2.
Variant type: single nucleotide variant.
Coding change: c.1813G>A on transcript NM_000256.3 (MANE Select); coding-DNA position 1813, G replaced by A.
Protein change: p.Asp605Asn; replaces aspartic acid 605 with asparagine.
Molecular consequence: missense variant.
Genome position (GRCh38, 1-based): chr11:47,341,222, C>T on the plus strand (G>A on the coding strand, the complement: MYBPC3 is on the minus strand). VCF-style: chr11-47341222-C-T. GRCh37 (hg19) VCF-style: chr11-47362773-C-T.
Other names: short protein forms D605N.
Identifiers: ClinVar variation 42572 (VCV000042572.36), dbSNP rs376736293, ClinGen allele CA011225.
Genomic context (GRCh38, chr11:47,341,222, plus strand): 5'-GGTTGCAGGCGAAGCCCTCGGGCACAAAGCTGTAGTCAGCCTCGTCGGCAGGTGTGACGT[C>T]GTCAATGGTCAGTTTGTGGACCCTGCAGGGGAGCAGTGGCTCAGGGGACCCCACTGGGCC-3'
Protein context (NP_000247.2, residues 595-615): IGRVHKLTID[Asp605Asn]VTPADEADYS